The following is an entry in ClinVar:

NM_005188.4(CBL):c.2509G>A (p.Ala837Thr)

Gene: CBL (Cbl proto-oncogene; plus strand). Cytogenetic location: 11q23.3.
Variant type: single nucleotide variant.
Coding change: c.2509G>A on transcript NM_005188.4 (MANE Select); coding-DNA position 2509, G replaced by A.
Protein change: p.Ala837Thr; replaces alanine 837 with threonine.
Molecular consequence: missense variant.
Genome position (GRCh38, 1-based): chr11:119,299,569, G>A. VCF-style: chr11-119299569-G-A. GRCh37 (hg19) VCF-style: chr11-119170279-G-A.
Other names: c.2509G>A (NM_005188.2); short protein forms A837T.
Identifiers: ClinVar variation 984526 (VCV000984526.6), dbSNP rs1950086093, ClinGen allele CA382932301.
Genomic context (GRCh38, chr11:119,299,569, plus strand): 5'-TCCCAAGTTCCCGAGAGGCCTCCAAAACCATTCCCGCGGAGAATCAACTCTGAACGGAAA[G>A]CTGGCAGCTGTCAGCAAGGTAGTGGTCCTGCCGCCTCTGCTGCCACCGCCTCACCTCAGC-3'
Protein context (NP_005179.2, residues 827-847): FPRRINSERK[Ala837Thr]GSCQQGSGPA

ClinVar aggregate classification (germline): Uncertain significance. Review status: criteria provided, multiple submitters, no conflicts (2 of 4 stars). 3 submissions from 3 submitters: Uncertain significance (3). Last evaluated 2025-12-01.

Conditions:
Cardiovascular phenotype. Identifiers: MedGen CN230736.
RASopathy. Also called: Noonan spectrum disorder; rasopathies. Identifiers: Orphanet 536391, MedGen C5555857, MONDO:0021060.

Allele frequency attached by ClinVar (database versions not stated): gnomAD exomes below 0.00001; TOPMed below 0.00001.
gnomAD v4.1: 3 of 1,614,186 alleles (0.00019%); highest among the groups gnomAD compares: Non-Finnish European, 0.00025%; no homozygotes.

Submissions (3):

Labcorp Genetics (formerly Invitae), Labcorp
Classification: Uncertain significance for RASopathy. Last evaluated: 2025-12-01. Review status: criteria provided, single submitter. Criteria: Invitae Variant Classification Sherloc (09022015). Collection method: clinical testing. Allele origin: germline.
Comment: This sequence change replaces alanine, which is neutral and non-polar, with threonine, which is neutral and polar, at codon 837 of the CBL protein (p.Ala837Thr). This variant is not present in population databases (gnomAD no frequency). This variant has not been reported in the literature in individuals affected with CBL-related conditions. ClinVar contains an entry for this variant (Variation ID: 984526). Invitae Evidence Modeling of protein sequence and biophysical properties (such as structural, functional, and spatial information, amino acid conservation, physicochemical variation, residue mobility, and thermodynamic stability) indicates that this missense variant is not expected to disrupt CBL protein function with a negative predictive value of 95%. In summary, the available evidence is currently insufficient to determine the role of this variant in disease. Therefore, it has been classified as a Variant of Uncertain Significance.

Ambry Genetics
Classification: Uncertain significance for Cardiovascular phenotype. Last evaluated: 2024-03-04. Review status: criteria provided, single submitter. Criteria: Ambry Variant Classification Scheme 2023. Collection method: clinical testing. Allele origin: germline.
Comment: The p.A837T variant (also known as c.2509G>A), located in coding exon 16 of the CBL gene, results from a G to A substitution at nucleotide position 2509. The alanine at codon 837 is replaced by threonine, an amino acid with similar properties. This amino acid position is conserved. In addition, the in silico prediction for this alteration is inconclusive. Based on the available evidence, the clinical significance of this alteration remains unclear.

Women's Health and Genetics/Laboratory Corporation of America, LabCorp
Classification: Uncertain significance. Last evaluated: 2020-10-26. Review status: criteria provided, single submitter. Criteria: LabCorp Variant Classification Summary - May 2015. Collection method: clinical testing. Allele origin: germline.
Comment: Variant summary: CBL c.2509G>A (p.Ala837Thr) results in a non-conservative amino acid change in the encoded protein sequence. Three of five in-silico tools predict a benign effect of the variant on protein function. The variant was absent in 251466 control chromosomes (gnomAD). The available data on variant occurrences in the general population are insufficient to allow any conclusion about variant significance. To our knowledge, no occurrence of c.2509G>A in individuals affected with Noonan Syndrome-Like Disorder and no experimental evidence demonstrating its impact on protein function have been reported. No clinical diagnostic laboratories have submitted clinical-significance assessments for this variant to ClinVar after 2014. Based on the evidence outlined above, the variant was classified as uncertain significance.